The following is an entry in ClinVar:

NM_001354604.2(MITF):c.683A>G (p.Asp228Gly)

Gene: MITF (melanocyte inducing transcription factor; plus strand). Cytogenetic location: 3p13.
Variant type: single nucleotide variant.
Coding change: c.683A>G on transcript NM_001354604.2 (MANE Select); coding-DNA position 683, A replaced by G.
Protein change: p.Asp228Gly; replaces aspartic acid 228 with glycine.
Molecular consequence: missense variant.
Genome position (GRCh38, 1-based): chr3:69,941,252, A>G. VCF-style: chr3-69941252-A-G. GRCh37 (hg19) VCF-style: chr3-69990403-A-G.
Other names: c.362A>G, p.Asp121Gly (NM_000248.4, NM_198158.3); c.527A>G, p.Asp176Gly (NM_001184967.2, NM_001354608.2); c.680A>G, p.Asp227Gly (NM_001354605.2, NM_001354606.2, NM_006722.3); c.632A>G, p.Asp211Gly (NM_001354607.2); c.683A>G, p.Asp228Gly (NM_198159.3); c.635A>G, p.Asp212Gly (NM_198177.3); c.194A>G, p.Asp65Gly (NM_198178.3); short protein forms D121G, D228G, D65G, D211G, D212G, D176G, D227G.
Identifiers: ClinVar variation 4055215 (VCV004055215.1).
Genomic context (GRCh38, chr3:69,941,252, plus strand): 5'-GTTTATTTATTTTTGTCTCTCTTCTCTTACCCTTTTTCCTACAGATGGATGATGTAATCG[A>G]TGACATCATTAGCCTAGAATCAAGTTATAATGAGGAAATCTTGGGCTTGATGGATCCTGC-3'
Protein context (NP_001341533.1, residues 218-238): ASCMQMDDVI[Asp228Gly]DIISLESSYN

ClinVar aggregate classification (germline): Uncertain significance (1 of 4 stars; one submission).

Conditions:
Hereditary cancer-predisposing syndrome. Also called: Neoplastic Syndromes, Hereditary; Tumor predisposition; Hereditary neoplastic syndrome; Hereditary Cancer Syndrome. Identifiers: Orphanet 140162, MedGen C0027672, MeSH D009386, MONDO:0015356.

Submission:

Ambry Genetics
Classification: Uncertain significance for Hereditary cancer-predisposing syndrome. Last evaluated: 2025-05-24. Review status: criteria provided, single submitter. Criteria: Ambry Variant Classification Scheme 2023. Collection method: clinical testing. Allele origin: germline.
Comment: The p.D121G variant (also known as c.362A>G), located in coding exon 4 of the MITF gene, results from an A to G substitution at nucleotide position 362. The aspartic acid at codon 121 is replaced by glycine, an amino acid with similar properties. This amino acid position is conserved. In addition, the in silico prediction for this alteration is inconclusive. Based on the available evidence, the clinical significance of this variant remains unclear.